The following is an entry in ClinVar:

NM_006031.6(PCNT):c.6895G>A (p.Asp2299Asn)

Gene: PCNT (pericentrin; plus strand). Cytogenetic location: 21q22.3.
Variant type: single nucleotide variant.
Coding change: c.6895G>A on transcript NM_006031.6 (MANE Select); coding-DNA position 6895, G replaced by A.
Protein change: p.Asp2299Asn; replaces aspartic acid 2299 with asparagine.
Molecular consequence: missense variant.
Genome position (GRCh38, 1-based): chr21:46,416,813, G>A. VCF-style: chr21-46416813-G-A. GRCh37 (hg19) VCF-style: chr21-47836727-G-A.
Other names: c.6541G>A, p.Asp2181Asn (NM_001315529.2); short protein forms D2181N, D2299N.
Identifiers: ClinVar variation 1338716 (VCV001338716.14), dbSNP rs150156962, ClinGen allele CA10080436.

ClinVar aggregate classification (germline): Conflicting classifications of pathogenicity. Review status: criteria provided, conflicting classifications (1 of 4 stars). 6 submissions from 6 submitters: Uncertain significance (3); Likely benign (3). Last evaluated 2026-03-20.

Conditions:
PCNT-related disorder. Also called: PCNT-related condition.

Allele frequency attached by ClinVar (database versions not stated): gnomAD exomes 0.00024 and 0.00028; ExAC 0.00029; gnomAD 0.00014; TOPMed 0.00017; ESP Exome Variant Server 0.00018.
gnomAD v4.1: 369 of 1,598,572 alleles (0.023%); highest among the groups gnomAD compares: Non-Finnish European, 0.028%; 1 homozygote.

Submissions (6):

PreventionGenetics, part of Exact Sciences
Classification: Uncertain significance for PCNT-related condition. Last evaluated: 2026-03-20. Review status: criteria provided, single submitter. Criteria: ACMG Guidelines, 2015. Collection method: clinical testing. Allele origin: germline.
Comment: The PCNT c.6895G>A variant is predicted to result in the amino acid substitution p.Asp2299Asn. To our knowledge, this variant has not been reported in the literature. This variant is reported in 0.045% of alleles in individuals of European (Non-Finnish) descent in gnomAD. At this time, the clinical significance of this variant is uncertain due to the absence of conclusive functional and genetic evidence.

Laboratory of Genetics, Children's Clinical University Hospital Latvia
Classification: Likely benign. Last evaluated: 2025-02-16. Review status: criteria provided, single submitter. Criteria: ACMG Guidelines, 2015. Collection method: clinical testing. Allele origin: germline. Affected: yes.

Blueprint Genetics
Classification: Likely benign. Last evaluated: 2024-10-29. Review status: criteria provided, single submitter. Criteria: ACMG Guidelines, 2015. Collection method: clinical testing. Allele origin: germline.

GeneDx
Classification: Uncertain significance. Last evaluated: 2023-06-08. Review status: criteria provided, single submitter. Criteria: GeneDx Variant Classification Process June 2021. Collection method: clinical testing. Allele origin: germline. Affected: yes.
Comment: In silico analysis supports that this missense variant does not alter protein structure/function; Has not been previously published as pathogenic or benign to our knowledge

Labcorp Genetics (formerly Invitae), Labcorp
Classification: Uncertain significance. Last evaluated: 2022-10-26. Review status: criteria provided, single submitter. Criteria: Invitae Variant Classification Sherloc (09022015). Collection method: clinical testing. Allele origin: germline.
Comment: This sequence change replaces aspartic acid, which is acidic and polar, with asparagine, which is neutral and polar, at codon 2299 of the PCNT protein (p.Asp2299Asn). This variant is present in population databases (rs150156962, gnomAD 0.05%). This variant has not been reported in the literature in individuals affected with PCNT-related conditions. ClinVar contains an entry for this variant (Variation ID: 1338716). Algorithms developed to predict the effect of missense changes on protein structure and function output the following: SIFT: "Tolerated"; PolyPhen-2: "Possibly Damaging"; Align-GVGD: "Class C0". The asparagine amino acid residue is found in multiple mammalian species, which suggests that this missense change does not adversely affect protein function. In summary, the available evidence is currently insufficient to determine the role of this variant in disease. Therefore, it has been classified as a Variant of Uncertain Significance.

Genetic Services Laboratory, University of Chicago
Classification: Likely benign. Last evaluated: 2019-06-26. Review status: criteria provided, single submitter. Criteria: ACMG Guidelines, 2015. Collection method: clinical testing. Allele origin: germline. Affected: no.